The following is an entry in ClinVar:

ClinVar aggregate classification (germline): Pathogenic/Likely pathogenic. Review status: criteria provided, multiple submitters, no conflicts (2 of 4 stars). 7 submissions from 7 submitters: Pathogenic (5); Likely pathogenic (1). 1 of the submissions does not count toward it. Last evaluated 2026-01-26.

Conditions:
Polycystic kidney disease, adult type (PKD1). Also called: POLYCYSTIC KIDNEY DISEASE, ADULT, TYPE I; Polycystic Kidney Disease 1, Autosomal Dominant; Polycystic kidney disease 1; Polycystic kidney disease 1, severe; Polycystic Kidney, Autosomal Dominant; POLYCYSTIC KIDNEY DISEASE 1 WITH OR WITHOUT POLYCYSTIC LIVER DISEASE. Identifiers: MedGen C3149841, MONDO:0008263, OMIM 173900.
Polycystic kidney disease. Also called: Polycystic kidney dysplasia; Kidney, Polycystic. Identifiers: MedGen C0022680, MeSH D007690, MONDO:0020642, HP:0000113.
Autosomal dominant polycystic kidney disease. Identifiers: Orphanet 730, MedGen C0085413, MONDO:0004691.

Submissions (7):

Medical and Scientific Branch, Hong Kong Genome Institute
Classification: Pathogenic for Polycystic kidney disease, adult type. Last evaluated: 2026-01-26. Review status: criteria provided, single submitter. Criteria: ACMG Guidelines, 2015. Collection method: clinical testing. Allele origin: unknown. Affected: yes.

Molecular Genetics, Royal Melbourne Hospital
Classification: Pathogenic for Autosomal dominant polycystic kidney disease. Last evaluated: 2024-06-13. Review status: criteria provided, single submitter. Criteria: ACMG Guidelines, 2015. Collection method: clinical testing. Allele origin: germline. Inheritance: Autosomal dominant inheritance. Affected: yes.
Comment: This sequence change in PKD1 is a nonsense variant predicted to cause a premature stop codon, p.(Gln1068*), in biologically relevant exon 14/46 leading to nonsense-mediated decay in a gene in which loss-of-function is an established disease mechanism (PMID: 20301424). This variant is absent from the population database gnomAD v4.1. ClinVar contains an entry for this variant (Variation ID: 972875). This variant has been reported in at least three probands with polycystic kidney disease (PMID: 33437033, 37372416; ClinVar: SCV002558716.1). Based on the classification scheme RMH Modified ACMG/AMP Guidelines v1.6.1, this variant is classified as PATHOGENIC. Following criteria are met: PM2_Supporting, PS4_Supporting, PVS1.

(GEEPAD) Grupo de Estudio de la Enfermedad Poliquística Autosómica Dominante, Hospitales Universitarios Virgen de las Nieves y San Cecilio (Granada)
Classification: Pathogenic for Polycystic kidney disease, adult type. Last evaluated: 2022-08-03. Review status: criteria provided, single submitter. Criteria: ACMG Guidelines, 2015. Collection method: clinical testing. Allele origin: germline. Affected: yes. Observed: 1 variant allele.

Fulgent Genetics
Classification: Pathogenic for Polycystic kidney disease, adult type. Last evaluated: 2022-04-05. Review status: criteria provided, single submitter. Criteria: ACMG Guidelines, 2015. Collection method: clinical testing. Allele origin: unknown.

Molecular Genetics of Inherited Kidney Disorders Laboratory, Garvan Institute of Medical Research
Classification: Pathogenic. Last evaluated: 2019-01-01. Review status: criteria provided, single submitter. Criteria: ACMG Guidelines, 2015. Collection method: clinical testing. Allele origin: germline. Affected: yes.

Juno Genomics, Hangzhou Juno Genomics, Inc
Classification: Likely pathogenic for Polycystic kidney disease, adult type. Review status: criteria provided, single submitter. Criteria: ACMG Guidelines, 2015. Collection method: clinical testing. Allele origin: germline. Affected: yes.
Comment: Null variant in a gene where loss of function (LOF) is a known mechanism of disease.;Absent from controls (or at extremely low frequency if recessive) in Genome Aggregation Database, Exome Sequencing Project, 1000 Genomes Project, or Exome Aggregation Consortium.

Department of Pathology and Laboratory Medicine, Sinai Health System
Classification: Pathogenic for Polycystic Kidney disease. Review status: no assertion criteria provided. Collection method: clinical testing. Allele origin: unknown. Affected: yes. Study: The Canadian Open Genetics Repository (COGR). Not counted in ClinVar's aggregate classification.
Comment: The PKD1 p.Gln1068X variant was not identified in the literature nor was it identified in the dbSNP, ClinVar, LOVD 3.0, and PKD1-LOVD databases. The variant was identified in ADPKD Mutation database 1X as definitely pathogenic. The variant was not identified in the 1000 Genomes Project, the NHLBI GO Exome Sequencing Project or the Exome Aggregation Consortium (August 8th 2016) control databases. The p.Gln1068X variant leads to a premature stop codon at position 1068, which is predicted to lead to a truncated or absent protein and loss of function. Loss of function variants of the PKD1 gene are an established mechanism of disease in autosomal dominant polycystic kidney disease and is the type of variant expected to cause the disorder. In summary, based on the above information, this variant meets our laboratoryâ€šÃ„Ã´s criteria to be classified as pathogenic.

Literature cited by the submitters: PubMed 20301424 (cited by Molecular Genetics, Royal Melbourne Hospital); PubMed 33437033 (cited by Molecular Genetics, Royal Melbourne Hospital); PubMed 37372416 (cited by Molecular Genetics, Royal Melbourne Hospital).

NM_001009944.3(PKD1):c.3202C>T (p.Gln1068Ter)

Gene: PKD1 (polycystin 1, transient receptor potential channel interacting; minus strand). Cytogenetic location: 16p13.3.
Variant type: single nucleotide variant.
Coding change: c.3202C>T on transcript NM_001009944.3 (MANE Select); coding-DNA position 3202, C replaced by T.
Protein change: p.Gln1068Ter; replaces glutamine 1068 with a stop codon.
Molecular consequence: nonsense.
Genome position (GRCh38, 1-based): chr16:2,112,433, G>A on the plus strand (C>T on the coding strand, the complement: PKD1 is on the minus strand). VCF-style: chr16-2112433-G-A. GRCh37 (hg19) VCF-style: chr16-2162434-G-A.
Other names: c.3202C>T, p.Gln1068Ter (NM_000296.4); short protein forms Q1068*.
Identifiers: ClinVar variation 972875 (VCV000972875.8), dbSNP rs2092538738, ClinGen allele CA394383682.
Genomic context (GRCh38, chr16:2,112,433, plus strand): 5'-CCACCAGCACCTGGGCCACCGAGGGGTCTGGAACCGGGAAGGACTCGTTGTACGGAGGCT[G>A]GAACTGGTGGAGGGCCTGCTCCCCATCCCCAAAGGTCCACCTGCCGGGGCGGTGGGACGC-3'